The following is an entry in ClinVar:

NM_032043.3(BRIP1):c.1079A>G (p.Gln360Arg)

Gene: BRIP1 (BRCA1 interacting DNA helicase 1; minus strand). Cytogenetic location: 17q23.2.
Variant type: single nucleotide variant.
Coding change: c.1079A>G on transcript NM_032043.3 (MANE Select); coding-DNA position 1079, A replaced by G.
Protein change: p.Gln360Arg; replaces glutamine 360 with arginine.
Molecular consequence: missense variant.
Genome position (GRCh38, 1-based): chr17:61,801,314, T>C on the plus strand (A>G on the coding strand, the complement: BRIP1 is on the minus strand). VCF-style: chr17-61801314-T-C. GRCh37 (hg19) VCF-style: chr17-59878675-T-C.
Other names: short protein forms Q360R.
Identifiers: ClinVar variation 3228079 (VCV003228079.1), dbSNP rs2145334537, ClinGen allele CA400483981.

ClinVar aggregate classification (germline): Uncertain significance (1 of 4 stars; one submission).

Conditions:
Hereditary cancer-predisposing syndrome. Also called: Neoplastic Syndromes, Hereditary; Tumor predisposition; Hereditary neoplastic syndrome; Hereditary Cancer Syndrome. Identifiers: Orphanet 140162, MedGen C0027672, MeSH D009386, MONDO:0015356.

Submission:

Ambry Genetics
Classification: Uncertain significance for Hereditary cancer-predisposing syndrome. Last evaluated: 2024-02-25. Review status: criteria provided, single submitter. Criteria: Ambry Variant Classification Scheme 2023. Collection method: clinical testing. Allele origin: germline.
Comment: The p.Q360R variant (also known as c.1079A>G), located in coding exon 7 of the BRIP1 gene, results from an A to G substitution at nucleotide position 1079. The glutamine at codon 360 is replaced by arginine, an amino acid with highly similar properties. This amino acid position is conserved. In addition, this alteration is predicted to be tolerated by in silico analysis. Based on the available evidence, the clinical significance of this alteration remains unclear.